The following is an entry in ClinVar:

ClinVar aggregate classification (germline): Uncertain significance. Review status: criteria provided, multiple submitters, no conflicts (2 of 4 stars). 4 submissions from 4 submitters: Uncertain significance (3). 1 of the submissions does not count toward it. Last evaluated 2024-12-21.

Conditions:
Primary ciliary dyskinesia. Also called: Ciliary dyskinesia. Identifiers: Orphanet 244, MedGen C0008780, MONDO:0016575, HP:0012265.
Primary ciliary dyskinesia 3. Identifiers: Orphanet 244, MedGen C1837618, MONDO:0012085, OMIM 608644.

Allele frequency attached by ClinVar (database versions not stated): ExAC 0.00003; gnomAD 0.00003; gnomAD exomes 0.00003 and 0.00005; TOPMed 0.00004.
gnomAD v4.1: 71 of 1,613,128 alleles (0.0044%); highest among the groups gnomAD compares: Non-Finnish European, 0.0053%; no homozygotes.

Submissions (4):

Labcorp Genetics (formerly Invitae), Labcorp
Classification: Uncertain significance for Primary ciliary dyskinesia. Last evaluated: 2024-12-21. Review status: criteria provided, single submitter. Criteria: Invitae Variant Classification Sherloc (09022015). Collection method: clinical testing. Allele origin: germline.
Comment: This sequence change replaces glycine, which is neutral and non-polar, with serine, which is neutral and polar, at codon 1358 of the DNAH5 protein (p.Gly1358Ser). This variant is present in population databases (rs752638332, gnomAD 0.007%). This missense change has been observed in individual(s) with primary ciliary dyskinesia (PMID: 32367404). ClinVar contains an entry for this variant (Variation ID: 577895). Invitae Evidence Modeling of protein sequence and biophysical properties (such as structural, functional, and spatial information, amino acid conservation, physicochemical variation, residue mobility, and thermodynamic stability) indicates that this missense variant is not expected to disrupt DNAH5 protein function with a negative predictive value of 95%. In summary, the available evidence is currently insufficient to determine the role of this variant in disease. Therefore, it has been classified as a Variant of Uncertain Significance.

GeneDx
Classification: Uncertain significance. Last evaluated: 2024-06-07. Review status: criteria provided, single submitter. Criteria: GeneDx Variant Classification Process June 2021. Collection method: clinical testing. Allele origin: germline. Affected: yes.
Comment: In silico analysis supports that this missense variant has a deleterious effect on protein structure/function; This variant is associated with the following publications: (PMID: 34768622, 32367404)

Fulgent Genetics
Classification: Uncertain significance for Primary ciliary dyskinesia 3. Last evaluated: 2022-02-16. Review status: criteria provided, single submitter. Criteria: ACMG Guidelines, 2015. Collection method: clinical testing. Allele origin: unknown.

Department of Pathology and Laboratory Medicine, Sinai Health System
Classification: Uncertain significance. Review status: no assertion criteria provided. Collection method: clinical testing. Allele origin: unknown. Affected: yes. Study: The Canadian Open Genetics Repository (COGR). Not counted in ClinVar's aggregate classification.
Comment: Â¬â€ The DNAH5 p.G1358S variant was not identified in the literature, however it was identified in dbSNP (ID: rs752638332) and in ClinVar (classified as uncertain significance by Invitae for the associated condition Ciliary dyskinesia). The variant was identified in control databases in 9 of 280742 chromosomes at a frequency of 0.00003206 (Genome Aggregation Database March 6, 2019, v2.1.1). The variant was observed in the following populations: Other in 2 of 7128 chromosomes (freq: 0.000281), South Asian in 2 of 30540 chromosomes (freq: 0.000065) and European (non-Finnish) in 5 of 128174 chromosomes (freq: 0.000039), but was not observed in the African, Latino, Ashkenazi Jewish, East Asian, or European (Finnish) populations. The p.G1358 residue is conserved in across mammals and other organisms however computational analyses (PolyPhen-2, SIFT, MutationTaster, Revel, FATHMM, MetaLR, DANN) do not suggest a high likelihood of impact to the protein; this information is not predictive enough to rule out pathogenicity. The variant occurs outside of the splicing consensus sequence and in silico or computational prediction software programs (Splice AI exome) do not predict a difference in splicing. In summary, based on the above information the clinical significance of this variant cannot be determined with certainty at this time. This variant is classified as a variant of uncertain significance.

Literature cited by the submitters: PubMed 32367404 (cited by Labcorp Genetics (formerly Invitae), Labcorp).

NM_001369.3(DNAH5):c.4072G>A (p.Gly1358Ser)

Genes: DNAH5 (dynein axonemal heavy chain 5; minus strand), DNAH5-AS1 (DNAH5 antisense RNA 1; plus strand). Cytogenetic location: 5p15.2.
Variant type: single nucleotide variant.
Coding change: c.4072G>A on transcript NM_001369.3 (MANE Select); coding-DNA position 4072, G replaced by A.
Protein change: p.Gly1358Ser; replaces glycine 1358 with serine.
Molecular consequence: missense variant.
Genome position (GRCh38, 1-based): chr5:13,866,264, C>T on the plus strand (G>A on the coding strand, the complement: DNAH5 is on the minus strand). VCF-style: chr5-13866264-C-T. GRCh37 (hg19) VCF-style: chr5-13866373-C-T.
Other names: short protein forms G1358S.
Identifiers: ClinVar variation 577895 (VCV000577895.8), dbSNP rs752638332, ClinGen allele CA3204086.